The following is an entry in ClinVar:

ClinVar aggregate classification (germline): Pathogenic/Likely pathogenic. Review status: criteria provided, multiple submitters, no conflicts (2 of 4 stars). 15 submissions from 15 submitters: Pathogenic (12); Likely pathogenic (1). 2 of the submissions do not count toward it. Last evaluated 2026-07-20.

Conditions:
NPC1-related disorder. Also called: NPC1-related condition.
Inborn genetic diseases. Identifiers: MedGen C0950123, MeSH D030342.
Niemann-Pick disease, type C (NPC). Identifiers: Orphanet 646, MedGen C0220756, MONDO:0018982.
Niemann-Pick disease, type C1. Also called: NEUROVISCERAL STORAGE DISEASE WITH VERTICAL SUPRANUCLEAR OPHTHALMOPLEGIA; NIEMANN-PICK DISEASE WITH CHOLESTEROL ESTERIFICATION BLOCK; NIEMANN-PICK DISEASE WITHOUT SPHINGOMYELINASE DEFICIENCY; NIEMANN-PICK DISEASE, CHRONIC NEURONOPATHIC FORM; NIEMANN-PICK DISEASE, VARIANT TYPE C1. Identifiers: Orphanet 646, MedGen C3179455, MONDO:0009757, OMIM 257220.

Allele frequency attached by ClinVar (database versions not stated): ExAC 0.00003; gnomAD exomes 0.00005 and 0.00019; ESP Exome Variant Server 0.00008; gnomAD 0.00011; TOPMed 0.00012.
gnomAD v4.1: 290 of 1,613,934 alleles (0.018%); highest among the groups gnomAD compares: Non-Finnish European, 0.023%; no homozygotes.

Submissions (15):

PreventionGenetics, part of Exact Sciences
Classification: Pathogenic for NPC1-related condition. Last evaluated: 2026-07-20. Review status: criteria provided, single submitter. Criteria: ACMG Guidelines, 2015. Collection method: clinical testing. Allele origin: germline.
Comment: The NPC1 c.2621A>T variant is predicted to result in the amino acid substitution p.Asp874Val. This variant has been reported to be causative for Niemann-Pick disease (Millat et al. 2001. PubMed ID: 11333381; Bauer et al. 2013. PubMed ID: 23773996; Imrie et al. 2015. PubMed ID: 26666848). This variant is reported in 0.0093% of alleles in individuals of European (Non-Finnish) descent in gnomAD. This variant is interpreted as pathogenic.

Labcorp Genetics (formerly Invitae), Labcorp
Classification: Pathogenic for Niemann-Pick disease, type C1. Last evaluated: 2025-12-16. Review status: criteria provided, single submitter. Criteria: Invitae Variant Classification Sherloc (09022015). Collection method: clinical testing. Allele origin: germline.
Comment: This sequence change replaces aspartic acid, which is acidic and polar, with valine, which is neutral and non-polar, at codon 874 of the NPC1 protein (p.Asp874Val). This variant is present in population databases (rs372030650, gnomAD 0.01%). This missense change has been observed in individual(s) with Niemann-Pick Type C (PMID: 11333381, 11349231, 11754101, 12408188, 17160617, 23773996, 26666848). ClinVar contains an entry for this variant (Variation ID: 194810). Invitae Evidence Modeling of protein sequence and biophysical properties (such as structural, functional, and spatial information, amino acid conservation, physicochemical variation, residue mobility, and thermodynamic stability) indicates that this missense variant is expected to disrupt NPC1 protein function with a positive predictive value of 95%. For these reasons, this variant has been classified as Pathogenic.

Natera, Inc.
Classification: Pathogenic for Niemann-Pick disease type C1. Last evaluated: 2025-06-25. Review status: criteria provided, single submitter. Criteria: Natera Variant Classification Schema (03/2026). Collection method: clinical testing. Allele origin: germline.
Comment: The c.2621A>T variant in NPC1 is a missense variant predicted to cause substitution of aspartic acid to valine at amino acid 874. This variant is rare in the general population with a frequency below the threshold expected for the associated phenotype(s). This variant has been observed in one or more individuals affected with the associated recessive disease, as either homozygous or compound heterozygous with a second variant (PMID: 24178705, 17160617, 23773996). Given the available evidence, this variant is classified as Pathogenic.

Revvity Omics, Revvity
Classification: Pathogenic for Niemann-Pick disease, type C1. Last evaluated: 2024-07-16. Review status: criteria provided, single submitter. Criteria: ACMG Guidelines, 2015. Collection method: clinical testing. Allele origin: germline.

Women's Health and Genetics/Laboratory Corporation of America, LabCorp
Classification: Pathogenic for Niemann-Pick disease, type C. Last evaluated: 2023-02-13. Review status: criteria provided, single submitter. Criteria: LabCorp Variant Classification Summary - May 2015. Collection method: clinical testing. Allele origin: germline.
Comment: Variant summary: NPC1 c.2621A>T (p.Asp874Val) results in a non-conservative amino acid change in the encoded protein sequence. Four of five in-silico tools predict a damaging effect of the variant on protein function. The variant allele was found at a frequency of 4.8e-05 in 251354 control chromosomes. This frequency is not significantly higher than estimated for a pathogenic variant in NPC1 causing Niemann-Pick Disease Type C (4.8e-05 vs 0.0027), allowing no conclusion about variant significance. c.2621A>T has been reported in the literature in individuals affected with Niemann-Pick Disease Type C. These data indicate that the variant may be associated with disease. Ten clinical diagnostic laboratories have submitted clinical-significance assessments for this variant to ClinVar after 2014 without evidence for independent evaluation. All laboratories classified the variant as pathogenic/likely pathogenic. Based on the evidence outlined above, the variant was classified as pathogenic.

GeneDx
Classification: Pathogenic. Last evaluated: 2022-06-29. Review status: criteria provided, single submitter. Criteria: GeneDx Variant Classification Process June 2021. Collection method: clinical testing. Allele origin: germline. Affected: yes.
Comment: Published functional studies found D874V is associated with impaired NPC1 protein localization (Shammas et al., 2019); In silico analysis supports that this missense variant has a deleterious effect on protein structure/function; Not observed at significant frequency in large population cohorts (gnomAD); This variant is associated with the following publications: (PMID: 27544496, 23773996, 12408188, 11349231, 11333381, 23891399, 26666848, 30609409, 30690666, 31509197, 27193329, 12955717, 34113546, 30923329, 32204338)

AiLife Diagnostics
Classification: Pathogenic. Last evaluated: 2022-03-29. Review status: criteria provided, single submitter. Criteria: ACMG Guidelines, 2015. Collection method: clinical testing. Allele origin: germline. Affected: yes. Observed: 3 variant alleles.

Ambry Genetics
Classification: Pathogenic for Inborn genetic diseases. Last evaluated: 2021-02-26. Review status: criteria provided, single submitter. Criteria: Ambry Variant Classification Scheme 2023. Collection method: clinical testing. Allele origin: germline.
Comment: The c.2621A>T (p.D874V) alteration is located in exon 18 (coding exon 18) of the NPC1 gene. This alteration results from an A to T substitution at nucleotide position 2621, causing the aspartic acid (D) at amino acid position 874 to be replaced by a valine (V). Based on data from the Genome Aggregation Database (gnomAD) database, the NPC1 c.2621A>T alteration was observed in 0.01% (15/282742) of total alleles studied. This mutation has been identified in the compound heterozygous state in several individuals with Niemann-Pick disease (Millat, 2001; Bauer, 2013; Imrie, 2015). This alteration is predicted to be deleterious by in silico analysis. Based on the available evidence, this alteration is classified as pathogenic.

Fulgent Genetics
Classification: Pathogenic for Niemann-Pick disease, type C1. Last evaluated: 2018-10-31. Review status: criteria provided, single submitter. Criteria: ACMG Guidelines, 2015. Collection method: clinical testing. Allele origin: unknown.

Illumina Laboratory Services, Illumina
Classification: Pathogenic for Niemann-Pick disease, type C1. Last evaluated: 2018-08-22. Review status: criteria provided, single submitter. Criteria: ICSL Variant Classification Criteria 09 May 2019. Collection method: clinical testing. Allele origin: germline.
Comment: The NPC1 c.2621A>T (p.Asp874Val) variant has been identified in seven studies in individuals with Niemann-Pick disease, including in a homozygous state in one proband, in a compound heterozygous state in 12 probands, in four additional proband alleles, and in one unaffected heterozygous individual (Sun et al. 2001; Bauer et al. 2002; Kaminski et al. 2002; Park et al. 2003; Bauer et al. 2013; Imrie et al. 2015; Davies-Thompson et al. 2016). The p.Asp874Val variant was absent from 341 controls and is reported at a frequency of 0.000111 in the European (non-Finnish) population of the Genome Aggregation Database. Dardis et al. (2016) demonstrated TAR DNA binding protein 43 localized to the cytoplasm in Purkinje cells versus localization in both cytoplasm and nucleus in Purkinje cells from a healthy individual. Based on the evidence, the p.Asp874Val variant is classified as pathogenic for Niemann-Pick disease type C. This variant was observed by ICSL as part of a predisposition screen in an ostensibly healthy population.

Eurofins Ntd Llc (ga)
Classification: Pathogenic. Last evaluated: 2017-05-05. Review status: criteria provided, single submitter. Criteria: EGL Classification Definitions 2015. Collection method: clinical testing. Allele origin: germline. Observed: 2 variant alleles, 2 heterozygotes.

Genetic Services Laboratory, University of Chicago
Classification: Likely pathogenic for Niemann-Pick disease, type C1. Last evaluated: 2016-09-21. Review status: criteria provided, single submitter. Criteria: ACMG Guidelines, 2015. Collection method: clinical testing. Allele origin: germline. Affected: yes.

Laboratory for Molecular Medicine, Mass General Brigham Personalized Medicine
Classification: Pathogenic for Niemann-Pick disease, type C. Last evaluated: 2016-06-20. Review status: criteria provided, single submitter. Criteria: LMM Criteria. Collection method: clinical testing. Allele origin: germline. Inheritance: Autosomal recessive inheritance. Observed: 1 variant allele.
Comment: The p.Asp874Val variant in NPC1 has been reported in at least 6 compound heteroz ygous and 1 homozygous individuals with classic Niemann-Pick disease C (Millat 2 001, Sun 2001, Kaminski 2002, Bauer 2013, Dardis 2016). This variant has also be en identified in 4/120,928 of chromosomes by the Exome Aggregation Consortium (E xAC; dbSNP rs372030650). Although this variant h as been seen in the general population, its frequency is low enough to be consis tent with a recessive carrier frequency. In summary, the p.Asp874Val variant mee ts our criteria to be classified as pathogenic based on occurrence in trans with pathogenic variants in patients and low frequency in controls.

Counsyl
Classification: Likely pathogenic for Niemann-Pick disease, type C1. Last evaluated: 2014-01-02. Review status: no assertion criteria provided. Collection method: clinical testing. Allele origin: unknown. Not counted in ClinVar's aggregate classification.

Genomics England Pilot Project, Genomics England
Classification: Pathogenic for Niemann-Pick disease, type C1. Review status: no assertion criteria provided. Criteria: ACGS Guidelines, 2016. Collection method: clinical testing. Allele origin: germline. Affected: yes. Not counted in ClinVar's aggregate classification.

Literature cited by the submitters: PubMed 11333381 (cited by 6 submitters); PubMed 11349231 (cited by 5 submitters); PubMed 11754101 (cited by 4 submitters); PubMed 12408188 (cited by 4 submitters); PubMed 17160617 (cited by Labcorp Genetics (formerly Invitae), Labcorp and Natera, Inc.); PubMed 23773996 (cited by 7 submitters); PubMed 26666848 (cited by 4 submitters); PubMed 24178705 (cited by Natera, Inc.); PubMed 30609409 (cited by AiLife Diagnostics); PubMed 10521297 (cited by Ambry Genetics); PubMed 26939636 (cited by Illumina Laboratory Services, Illumina); PubMed 27193329 (cited by Illumina Laboratory Services, Illumina); PubMed 12955717 (cited by Illumina Laboratory Services, Illumina).

NM_000271.5(NPC1):c.2621A>T (p.Asp874Val)

Gene: NPC1 (NPC intracellular cholesterol transporter 1; minus strand). Cytogenetic location: 18q11.2.
Variant type: single nucleotide variant.
Coding change: c.2621A>T on transcript NM_000271.5 (MANE Select); coding-DNA position 2621, A replaced by T.
Protein change: p.Asp874Val; replaces aspartic acid 874 with valine.
Molecular consequence: missense variant.
Genome position (GRCh38, 1-based): chr18:23,539,985, T>A on the plus strand (A>T on the coding strand, the complement: NPC1 is on the minus strand). VCF-style: chr18-23539985-T-A. GRCh37 (hg19) VCF-style: chr18-21119949-T-A.
Other names: short protein forms D874V.
Identifiers: ClinVar variation 194810 (VCV000194810.43), dbSNP rs372030650, ClinGen allele CA275049.